The following is an entry in ClinVar:

ClinVar aggregate classification (germline): Uncertain significance (1 of 4 stars; one submission).

Submission:

Labcorp Genetics (formerly Invitae), Labcorp
Classification: Uncertain significance. Last evaluated: 2024-09-23. Review status: criteria provided, single submitter. Criteria: Invitae Variant Classification Sherloc (09022015). Collection method: clinical testing. Allele origin: germline.
Comment: This sequence change replaces glycine, which is neutral and non-polar, with valine, which is neutral and non-polar, at codon 1496 of the CAD protein (p.Gly1496Val). This variant is not present in population databases (gnomAD no frequency). This variant has not been reported in the literature in individuals affected with CAD-related conditions. ClinVar contains an entry for this variant (Variation ID: 2109408). An algorithm developed to predict the effect of missense changes on protein structure and function (PolyPhen-2) suggests that this variant is likely to be disruptive. In summary, the available evidence is currently insufficient to determine the role of this variant in disease. Therefore, it has been classified as a Variant of Uncertain Significance.

NM_004341.5(CAD):c.4487G>T (p.Gly1496Val)

Gene: CAD (carbamoyl-phosphate synthetase 2, aspartate transcarbamylase, and dihydroorotase; plus strand). Cytogenetic location: 2p23.3.
Variant type: single nucleotide variant.
Coding change: c.4487G>T on transcript NM_004341.5 (MANE Select); coding-DNA position 4487, G replaced by T.
Protein change: p.Gly1496Val; replaces glycine 1496 with valine.
Molecular consequence: missense variant.
Genome position (GRCh38, 1-based): chr2:27,237,469, G>T. VCF-style: chr2-27237469-G-T. GRCh37 (hg19) VCF-style: chr2-27460337-G-T.
Other names: c.4298G>T, p.Gly1433Val (NM_001306079.2); short protein forms G1496V, G1433V.
Identifiers: ClinVar variation 2109408 (VCV002109408.4), dbSNP rs2465345577, ClinGen allele CA346219959.
Genomic context (GRCh38, chr2:27,237,469, plus strand): 5'-AACCAGGTGGGACACATAAGGAGGACTTTGCTTCAGGCACAGCCGCTGCCCTGGCTGGGG[G>T]TATCACCATGGTGTGTGCCATGCCTAATACCCGGCCCCCCATCATTGACGCCCCTGCTCT-3'
Protein context (NP_004332.2, residues 1486-1506): ASGTAAALAG[Gly1496Val]ITMVCAMPNT